The following is an entry in ClinVar:

NM_004369.4(COL6A3):c.1303G>T (p.Val435Phe)

Gene: COL6A3 (collagen type VI alpha 3 chain; minus strand). Cytogenetic location: 2q37.3.
Variant type: single nucleotide variant.
Coding change: c.1303G>T on transcript NM_004369.4 (MANE Select); coding-DNA position 1303, G replaced by T.
Protein change: p.Val435Phe; replaces valine 435 with phenylalanine.
Molecular consequence: missense variant. On other transcripts: intron variant (2).
Genome position (GRCh38, 1-based): chr2:237,387,591, C>A on the plus strand (G>T on the coding strand, the complement: COL6A3 is on the minus strand). VCF-style: chr2-237387591-C-A. GRCh37 (hg19) VCF-style: chr2-238296234-C-A.
Other names: c.685G>T, p.Val229Phe (NM_057165.5, NM_057167.4); c.92-6092G>T (NM_057166.5, NM_057164.5); short protein forms V229F, V435F.
Identifiers: ClinVar variation 951924 (VCV000951924.10), dbSNP rs2078176426, ClinGen allele CA351220836.

ClinVar aggregate classification (germline): Uncertain significance (1 of 4 stars; one submission).

Conditions:
Bethlem myopathy 1A. Also called: Bethlem Muscular Dystrophy; Bethlem myopathy 1; MYOPATHY, BENIGN CONGENITAL, WITH CONTRACTURES. Identifiers: Orphanet 610, MedGen CN029274, MONDO:0024530, OMIM 158810.

Submission:

Labcorp Genetics (formerly Invitae), Labcorp
Classification: Uncertain significance for Bethlem myopathy 1A. Last evaluated: 2019-04-20. Review status: criteria provided, single submitter. Criteria: Invitae Variant Classification Sherloc (09022015). Collection method: clinical testing. Allele origin: germline.
Comment: This sequence change replaces valine with phenylalanine at codon 435 of the COL6A3 protein (p.Val435Phe). The valine residue is weakly conserved and there is a small physicochemical difference between valine and phenylalanine. This variant is not present in population databases (ExAC no frequency). This variant has not been reported in the literature in individuals with COL6A3-related conditions. Algorithms developed to predict the effect of missense changes on protein structure and function (SIFT, PolyPhen-2, Align-GVGD) all suggest that this variant is likely to be tolerated, but these predictions have not been confirmed by published functional studies and their clinical significance is uncertain. In summary, the available evidence is currently insufficient to determine the role of this variant in disease. Therefore, it has been classified as a Variant of Uncertain Significance.